The following is an entry in ClinVar:

Conditions:
Arteriohepatic dysplasia. Also called: Alagille Syndrome. Identifiers: Orphanet 52, MedGen C0085280, MeSH D016738, MONDO:0007318.

Submission:

Gilbert/Spinner Lab, Children's Hospital of Philadelphia
No classification provided (evidence only). Condition: Alagille syndrome. Review status: no classification provided. Collection method: research. Allele origin: not applicable. Functional consequence: functionally_abnormal.
ClinVar note: "not provided" was previously submitted as the classification for the variant. However, the classification appeared to be based only on an observation of functional data so it was converted to no classification on 2025-07-30.

NM_000214.3(JAG1):c.595T>A (p.Phe199Ile)

Gene: JAG1 (jagged canonical Notch ligand 1; minus strand). Cytogenetic location: 20p12.2.
Variant type: single nucleotide variant.
Coding change: c.595T>A on transcript NM_000214.3 (MANE Select); coding-DNA position 595, T replaced by A.
Protein change: p.Phe199Ile; replaces phenylalanine 199 with isoleucine.
Molecular consequence: missense variant.
Genome position (GRCh38, 1-based): chr20:10,658,567, A>T on the plus strand (T>A on the coding strand, the complement: JAG1 is on the minus strand). VCF-style: chr20-10658567-A-T. GRCh37 (hg19) VCF-style: chr20-10639215-A-T.
Other names: short protein forms F199I.
Identifiers: ClinVar variation 3573342 (VCV003573342.2).